The following is an entry in ClinVar:

NM_022455.5(NSD1):c.6007A>G (p.Lys2003Glu)

Gene: NSD1 (nuclear receptor binding SET domain protein 1; plus strand). Cytogenetic location: 5q35.3.
Variant type: single nucleotide variant.
Coding change: c.6007A>G on transcript NM_022455.5 (MANE Select); coding-DNA position 6007, A replaced by G.
Protein change: p.Lys2003Glu; replaces lysine 2003 with glutamic acid.
Molecular consequence: missense variant.
Genome position (GRCh38, 1-based): chr5:177,282,579, A>G. VCF-style: chr5-177282579-A-G. GRCh37 (hg19) VCF-style: chr5-176709580-A-G.
Other names: c.5134A>G, p.Lys1712Glu (NM_001365684.2, NM_001409308.1, NM_001409309.1 and 1 more transcripts); c.6007A>G, p.Lys2003Glu (NM_001409301.1, NM_001409302.1, NM_001409303.1); c.5587A>G, p.Lys1863Glu (NM_001409304.1); c.5254A>G, p.Lys1752Glu (NM_001409305.1); c.5245A>G, p.Lys1749Glu (NM_001409306.1, NM_001409307.1); short protein forms K1712E, K1752E, K1863E, K2003E, K1749E.
Identifiers: ClinVar variation 3631773 (VCV003631773.2).

ClinVar aggregate classification (germline): Likely pathogenic (1 of 4 stars; one submission).

Submission:

Labcorp Genetics (formerly Invitae), Labcorp
Classification: Likely pathogenic. Last evaluated: 2024-01-11. Review status: criteria provided, single submitter. Criteria: Invitae Variant Classification Sherloc (09022015). Collection method: clinical testing. Allele origin: germline.
Comment: This sequence change replaces lysine, which is basic and polar, with glutamic acid, which is acidic and polar, at codon 2003 of the NSD1 protein (p.Lys2003Glu). This variant is not present in population databases (gnomAD no frequency). This missense change has been observed in individual(s) with Sotos syndrome (Invitae). In at least one individual the variant was observed to be de novo. An algorithm developed to predict the effect of missense changes on protein structure and function (PolyPhen-2) suggests that this variant is likely to be disruptive. In summary, the currently available evidence indicates that the variant is pathogenic, but additional data are needed to prove that conclusively. Therefore, this variant has been classified as Likely Pathogenic.